The following is an entry in ClinVar:

ClinVar aggregate classification (germline): Conflicting classifications of pathogenicity. Review status: criteria provided, conflicting classifications (1 of 4 stars). 3 submissions from 3 submitters: Likely pathogenic (1); Uncertain significance (1). 1 of the submissions does not count toward it. Last evaluated 2025-10-29.

Conditions:
Nemaline myopathy. Also called: Myopathies, Nemaline. Identifiers: Orphanet 607, MedGen C0206157, MONDO:0018958.
Nemaline myopathy 2 (NEM2). Also called: Nemaline myopathy 2, autosomal recessive. Identifiers: MedGen C1850569, MONDO:0009725, OMIM 256030.

Allele frequency attached by ClinVar (database versions not stated): ExAC 0.00001; gnomAD exomes 0.00001.
gnomAD v4.1: 11 of 1,587,834 alleles (0.00069%); highest among the groups gnomAD compares: Non-Finnish European, 0.00078%; no homozygotes.

Submissions (3):

Labcorp Genetics (formerly Invitae), Labcorp
Classification: Likely pathogenic for Nemaline myopathy 2. Last evaluated: 2025-10-29. Review status: criteria provided, single submitter. Criteria: Invitae Variant Classification Sherloc (09022015). Collection method: clinical testing. Allele origin: germline.
Comment: This sequence change affects an acceptor splice site in intron 156 of the NEB gene. It is expected to disrupt RNA splicing. Variants that disrupt the donor or acceptor splice site typically lead to a loss of protein function (PMID: 16199547), and loss-of-function variants in NEB are known to be pathogenic (PMID: 25205138). This variant is present in population databases (rs745511810, gnomAD 0.002%). Disruption of this splice site has been observed in individual(s) with clinical features of nemaline myopathy (internal data). ClinVar contains an entry for this variant (Variation ID: 558699). Algorithms developed to predict the effect of sequence changes on RNA splicing suggest that this variant may disrupt the consensus splice site. In summary, the currently available evidence indicates that the variant is pathogenic, but additional data are needed to prove that conclusively. Therefore, this variant has been classified as Likely Pathogenic.

Broad Center for Mendelian Genomics, Broad Institute of MIT and Harvard
Classification: Uncertain significance for Nemaline myopathy. Last evaluated: 2025-03-03. Review status: criteria provided, single submitter. Criteria: ACMG Guidelines, 2015. Collection method: curation. Allele origin: germline. Inheritance: Autosomal recessive inheritance.
Comment: The c.22696-1G>A variant in NEB has not been previously reported in the literature in individuals with nemaline myopathy, but has been identified in 0.0008% (9/1158188) of European (non-Finnish) chromosomes by the Genome Aggregation Database (gnomAD; dbSNP ID: rs745511810). Although this variant has been seen in the general population in a heterozygous state, its frequency is low enough to be consistent with a recessive carrier frequency. This variant has also been reported in ClinVar (Variation ID: 558699) and has been interpreted as likely pathogenic by Counsyl and Labcorp Genetics. This variant is located in the 3' splice region. Computational tools predict a splicing impact, though this information is not predictive enough to determine pathogenicity. There is an in-frame cryptic splice site 6 bases from the intron-exon boundary, providing evidence that this variant may delete 2 amino acids instead of causing loss of function. However, this information is not predictive enough to determine pathogenicity. Loss of function of the NEB gene is an established disease mechanism in autosomal recessive nemaline myopathy. In summary, the clinical significance of the c.22696-1G>A variant is uncertain. ACMG/AMP Criteria applied: PVS1_moderate, PM2_supporting (Richards 2015).

Counsyl
Classification: Likely pathogenic for Nemaline myopathy 2. Last evaluated: 2018-06-05. Review status: no assertion criteria provided. Collection method: clinical testing. Allele origin: unknown. Not counted in ClinVar's aggregate classification.

Literature cited by the submitters: PubMed 16199547 (cited by Labcorp Genetics (formerly Invitae), Labcorp); PubMed 25205138 (cited by Labcorp Genetics (formerly Invitae), Labcorp).

NM_001164508.2(NEB):c.22696-1G>A

Genes: RIF1 (replication timing regulatory factor 1; plus strand), NEB (nebulin; minus strand). Cytogenetic location: 2q23.3.
Variant type: single nucleotide variant.
Coding change: c.22696-1G>A on transcript NM_001164508.2 (MANE Select); the canonical splice acceptor site of the intron before coding-DNA position 22696, G replaced by A.
Molecular consequence: splice acceptor variant.
Genome position (GRCh38, 1-based): chr2:151,518,423, C>T on the plus strand (G>A on the coding strand, the complement: NEB is on the minus strand). VCF-style: chr2-151518423-C-T. GRCh37 (hg19) VCF-style: chr2-152374937-C-T.
Other names: c.17593-1G>A (NM_004543.5); c.22696-1G>A (NM_001164507.2); c.22801-1G>A (NM_001271208.2).
Identifiers: ClinVar variation 558699 (VCV000558699.8), dbSNP rs745511810, ClinGen allele CA1906555.